The following is an entry in ClinVar:

NM_000891.3(KCNJ2):c.171G>T (p.Gln57His)

Gene: KCNJ2 (potassium inwardly rectifying channel subfamily J member 2; plus strand). Cytogenetic location: 17q24.3.
Variant type: single nucleotide variant.
Coding change: c.171G>T on transcript NM_000891.3 (MANE Select); coding-DNA position 171, G replaced by T.
Protein change: p.Gln57His; replaces glutamine 57 with histidine.
Molecular consequence: missense variant.
Genome position (GRCh38, 1-based): chr17:70,175,210, G>T. VCF-style: chr17-70175210-G-T. GRCh37 (hg19) VCF-style: chr17-68171351-G-T.
Other names: short protein forms Q57H.
Identifiers: ClinVar variation 1778733 (VCV001778733.2), dbSNP rs2074385303, ClinGen allele CA400860027.

ClinVar aggregate classification (germline): Uncertain significance (1 of 4 stars; one submission).

Conditions:
Cardiovascular phenotype. Identifiers: MedGen CN230736.

Submission:

Ambry Genetics
Classification: Uncertain significance for Cardiovascular phenotype. Last evaluated: 2021-06-01. Review status: criteria provided, single submitter. Criteria: Ambry Variant Classification Scheme 2023. Collection method: clinical testing. Allele origin: germline.
Comment: The p.Q57H variant (also known as c.171G>T), located in coding exon 1 of the KCNJ2 gene, results from a G to T substitution at nucleotide position 171. The glutamine at codon 57 is replaced by histidine, an amino acid with highly similar properties. This amino acid position is well conserved in available vertebrate species; however, histidine is the reference amino acid in other vertebrate species. In addition, the in silico prediction for this alteration is inconclusive. Since supporting evidence is limited at this time, the clinical significance of this alteration remains unclear.